The following is an entry in ClinVar:

ClinVar aggregate classification (germline): Uncertain significance (1 of 4 stars; one submission).

Allele frequency attached by ClinVar (database versions not stated): ExAC 0.00001; gnomAD exomes 0.00001; TOPMed 0.00002; gnomAD 0.00003; ESP Exome Variant Server 0.00008.
gnomAD v4.1: 6 of 1,607,402 alleles (0.00037%); highest among the groups gnomAD compares: African/African-American, 0.008%; no homozygotes.

Submission:

Labcorp Genetics (formerly Invitae), Labcorp
Classification: Uncertain significance. Last evaluated: 2021-06-03. Review status: criteria provided, single submitter. Criteria: Invitae Variant Classification Sherloc (09022015). Collection method: clinical testing. Allele origin: germline.
Comment: This sequence change falls in intron 13 of the C6 gene. It does not directly change the encoded amino acid sequence of the C6 protein. This variant is present in population databases (rs373264335, ExAC 0.01%). This variant has not been reported in the literature in individuals with C6-related conditions. Algorithms developed to predict the effect of sequence changes on RNA splicing suggest that this variant may create or strengthen a splice site, but this prediction has not been confirmed by published transcriptional studies. In summary, the available evidence is currently insufficient to determine the role of this variant in disease. Therefore, it has been classified as a Variant of Uncertain Significance.

NM_000065.5(C6):c.1969-19G>A

Gene: C6 (complement C6; minus strand). Cytogenetic location: 5p13.1.
Variant type: single nucleotide variant.
Coding change: c.1969-19G>A on transcript NM_000065.5 (MANE Select); 19 bases into the intron before coding-DNA position 1969, G replaced by A.
Molecular consequence: intron variant.
Genome position (GRCh38, 1-based): chr5:41,155,123, C>T on the plus strand (G>A on the coding strand, the complement: C6 is on the minus strand). VCF-style: chr5-41155123-C-T. GRCh37 (hg19) VCF-style: chr5-41155225-C-T.
Other names: c.1969-19G>A (NM_001115131.4).
Identifiers: ClinVar variation 1409613 (VCV001409613.8), dbSNP rs373264335, ClinGen allele CA3252245.